The following is an entry in ClinVar:

NM_030662.4(MAP2K2):c.*9G>A

Gene: MAP2K2 (mitogen-activated protein kinase kinase 2; minus strand). Cytogenetic location: 19p13.3.
Variant type: single nucleotide variant.
Coding change: c.*9G>A on transcript NM_030662.4 (MANE Select); 9 bases downstream of the stop codon, G replaced by A.
Molecular consequence: 3 prime UTR variant.
Genome position (GRCh38, 1-based): chr19:4,090,589, C>T on the plus strand (G>A on the coding strand, the complement: MAP2K2 is on the minus strand). VCF-style: chr19-4090589-C-T. GRCh37 (hg19) VCF-style: chr19-4090587-C-T.
Other names: c.*9G>A.
Identifiers: ClinVar variation 46224 (VCV000046224.5), dbSNP rs397517410, ClinGen allele CA137904.

ClinVar aggregate classification (germline): Likely benign. Review status: criteria provided, multiple submitters, no conflicts (2 of 4 stars). 2 submissions from 2 submitters: Likely benign (2). Last evaluated 2023-02-21.

Allele frequency attached by ClinVar (database versions not stated): ExAC 0.00005; TOPMed 0.00008; gnomAD 0.00009.
gnomAD v4.1: 93 of 1,548,126 alleles (0.006%); highest among the groups gnomAD compares: African/African-American, 0.0082%; no homozygotes.

Submissions (2):

Blueprint Genetics
Classification: Likely benign. Last evaluated: 2023-02-21. Review status: criteria provided, single submitter. Criteria: ACMG Guidelines, 2015. Collection method: clinical testing. Allele origin: germline.

Laboratory for Molecular Medicine, Mass General Brigham Personalized Medicine
Classification: Likely benign. Last evaluated: 2012-07-13. Review status: criteria provided, single submitter. Criteria: LMM Criteria. Collection method: clinical testing. Allele origin: germline. Observed: 1 variant allele.
Comment: *9G>A in the '3UTR of MAP2K2: This variant is not expected to have clinical sign ificance because variants affecting mRNA translation have not been associated wi th MAP2K2 and Noonan syndrome.